The following is an entry in ClinVar:

ClinVar aggregate classification (germline): Benign/Likely benign. Review status: criteria provided, multiple submitters, no conflicts (2 of 4 stars). 7 submissions from 7 submitters: Benign (2); Likely benign (4). 1 of the submissions does not count toward it. Last evaluated 2026-01-26.

Conditions:
MMP2-related disorder. Also called: MMP2-related condition.
Multicentric osteolysis nodulosis arthropathy spectrum. Identifiers: Orphanet 3460, Orphanet 371428, MedGen C1850155, MONDO:0018298.

Allele frequency attached by ClinVar (database versions not stated): 1000 Genomes Project 30x 0.00047; 1000 Genomes Project 0.00060; gnomAD 0.00081 and 0.00092; TOPMed 0.00100; gnomAD exomes 0.00102 and 0.00190; ESP Exome Variant Server 0.00131; ExAC 0.00169.
gnomAD v4.1: 1,669 of 1,614,198 alleles (0.1%); highest among the groups gnomAD compares: South Asian, 0.48%; 16 homozygotes.

Submissions (7):

Labcorp Genetics (formerly Invitae), Labcorp
Classification: Benign. Last evaluated: 2026-01-26. Review status: criteria provided, single submitter. Criteria: Invitae Variant Classification Sherloc (09022015). Collection method: clinical testing. Allele origin: germline.

Genomic Medicine Center of Excellence, King Faisal Specialist Hospital and Research Centre
Classification: Likely benign. Last evaluated: 2025-08-18. Review status: criteria provided, single submitter. Criteria: ACMG Guidelines, 2015. Collection method: clinical testing. Allele origin: germline.

CeGaT Center for Human Genetics Tuebingen
Classification: Benign. Last evaluated: 2025-05-01. Review status: criteria provided, single submitter. Criteria: CeGaT Center For Human Genetics Tuebingen Variant Classification Criteria Version 2. Collection method: clinical testing. Allele origin: germline. Affected: yes. Observed: 1 variant allele.
Comment: MMP2: BS1, BS2

Illumina Laboratory Services, Illumina
Classification: Likely benign for Multicentric osteolysis, nodulosis, and arthropathy. Last evaluated: 2018-01-13. Review status: criteria provided, single submitter. Criteria: ICSL Variant Classification Criteria 13 December 2019. Collection method: clinical testing. Allele origin: germline.
Comment: This variant was observed in the ICSL laboratory as part of a predisposition screen in an ostensibly healthy population. It had not been previously curated by ICSL or reported in the Human Gene Mutation Database (HGMD: prior to June 1st, 2018), and was therefore a candidate for classification through an automated scoring system. Utilizing variant allele frequency, disease prevalence and penetrance estimates, and inheritance mode, an automated score was calculated to assess if this variant is too frequent to cause the disease. Based on the score and internal cut-off values, a variant classified as likely benign is not then subjected to further curation. The score for this variant resulted in a classification of likely benign for this disease.

Eurofins Ntd Llc (ga)
Classification: Likely benign. Last evaluated: 2016-11-22. Review status: criteria provided, single submitter. Criteria: EGL Classification Definitions 2015. Collection method: clinical testing. Allele origin: germline. Observed: 1 variant allele, 1 heterozygote.

Breakthrough Genomics
Classification: Likely benign. Review status: criteria provided, single submitter. Criteria: ACMG Guidelines, 2015. Collection method: not provided. Allele origin: germline. Inheritance: Autosomal recessive inheritance. Affected: yes.

PreventionGenetics, part of Exact Sciences
Classification: Likely benign for MMP2-related condition. Last evaluated: 2019-04-18. Review status: no assertion criteria provided. Collection method: clinical testing. Allele origin: germline. Not counted in ClinVar's aggregate classification.
Comment: This variant is classified as likely benign based on ACMG/AMP sequence variant interpretation guidelines (Richards et al. 2015 PMID: 25741868, with internal and published modifications).

NM_004530.6(MMP2):c.496G>A (p.Glu166Lys)

Gene: MMP2 (matrix metallopeptidase 2; plus strand). Cytogenetic location: 16q12.2.
Variant type: single nucleotide variant.
Coding change: c.496G>A on transcript NM_004530.6 (MANE Select); coding-DNA position 496, G replaced by A.
Protein change: p.Glu166Lys; replaces glutamic acid 166 with lysine.
Molecular consequence: missense variant.
Genome position (GRCh38, 1-based): chr16:55,484,131, G>A. VCF-style: chr16-55484131-G-A. GRCh37 (hg19) VCF-style: chr16-55518043-G-A.
Other names: c.346G>A, p.Glu116Lys (NM_001127891.3); c.268G>A, p.Glu90Lys (NM_001302508.1, NM_001302509.2, NM_001302510.2); short protein forms E166K, E116K, E90K.
Identifiers: ClinVar variation 498527 (VCV000498527.33), dbSNP rs147947052, ClinGen allele CA8060103.